The following is an entry in ClinVar:

ClinVar aggregate classification (germline): Uncertain significance (1 of 4 stars; one submission).

Conditions:
Dyskeratosis congenita, autosomal recessive 1. Identifiers: Orphanet 1775, MedGen C1857144, MONDO:0009136, OMIM 224230.

Allele frequency attached by ClinVar (database versions not stated): gnomAD exomes below 0.00001; ExAC 0.00001.

Submission:

Labcorp Genetics (formerly Invitae), Labcorp
Classification: Uncertain significance for Dyskeratosis congenita, autosomal recessive 1. Last evaluated: 2021-09-20. Review status: criteria provided, single submitter. Criteria: Invitae Variant Classification Sherloc (09022015). Collection method: clinical testing. Allele origin: germline.
Comment: In summary, the available evidence is currently insufficient to determine the role of this variant in disease. Therefore, it has been classified as a Variant of Uncertain Significance. This sequence change replaces phenylalanine with leucine at codon 52 of the NOP10 protein (p.Phe52Leu). The phenylalanine residue is highly conserved and there is a small physicochemical difference between phenylalanine and leucine. This variant is present in population databases (rs752083783, ExAC 0.01%). This variant has not been reported in the literature in individuals affected with NOP10-related conditions. Algorithms developed to predict the effect of missense changes on protein structure and function are either unavailable or do not agree on the potential impact of this missense change (SIFT: "Deleterious"; PolyPhen-2: "Benign"; Align-GVGD: "Class C15").

NM_018648.4(NOP10):c.154T>C (p.Phe52Leu)

Gene: NOP10 (NOP10 ribonucleoprotein; minus strand). Cytogenetic location: 15q14.
Variant type: single nucleotide variant.
Coding change: c.154T>C on transcript NM_018648.4 (MANE Select); coding-DNA position 154, T replaced by C.
Protein change: p.Phe52Leu; replaces phenylalanine 52 with leucine.
Molecular consequence: missense variant.
Genome position (GRCh38, 1-based): chr15:34,342,009, A>G on the plus strand (T>C on the coding strand, the complement: NOP10 is on the minus strand). VCF-style: chr15-34342009-A-G. GRCh37 (hg19) VCF-style: chr15-34634210-A-G.
Other names: short protein forms F52L.
Identifiers: ClinVar variation 1441454 (VCV001441454.6), dbSNP rs752083783, ClinGen allele CA7464766.